The following is an entry in ClinVar:

NM_001329943.3(KIAA0586):c.939dup (p.Asn314Ter)

Gene: KIAA0586 (KIAA0586; plus strand). Cytogenetic location: 14q23.1.
Variant type: Duplication.
Coding change: c.939dup on transcript NM_001329943.3 (MANE Select); coding-DNA position 939, one base duplicated (T; older notation c.939dupT).
Protein change: p.Asn314Ter; replaces asparagine 314 with a stop codon.
Molecular consequence: nonsense.
Genome position (GRCh38, 1-based): chr14:58,448,471, T duplicated. VCF-style (leftmost placement, unchanged base first): chr14-58448470-A-AT. GRCh37 (hg19) VCF-style: chr14-58915188-A-AT.
Other names: c.1098dup, p.Asn367Ter (NM_001244189.2); c.894dup, p.Asn299Ter (NM_001244190.2); c.684dup, p.Asn229Ter (NM_001244191.2, NM_001329945.2, NM_001364700.1 and 1 more transcripts); c.807dup, p.Asn270Ter (NM_001244192.2); c.519dup, p.Asn174Ter (NM_001244193.2); c.939dup, p.Asn314Ter (NM_001329944.2, NM_001329946.2, NM_001329947.2 and 1 more transcripts); short protein forms N299*, N314*, N229*, N270*, N174*, N367*.
Identifiers: ClinVar variation 2946791 (VCV002946791.3), dbSNP rs2542904941, ClinGen allele CA2740097087.

ClinVar aggregate classification (germline): Pathogenic (1 of 4 stars; one submission).

Conditions:
Short-rib thoracic dysplasia 14 with polydactyly (SRTD14). Identifiers: Orphanet 397715, MedGen C4225286, MONDO:0014688, OMIM 616546.
Joubert syndrome 23 (JBTS23). Identifiers: Orphanet 475, MedGen C4084822, MONDO:0014664, OMIM 616490.

Submission:

Labcorp Genetics (formerly Invitae), Labcorp
Classification: Pathogenic for Joubert syndrome 23; Short-rib thoracic dysplasia 14 with polydactyly. Last evaluated: 2023-04-15. Review status: criteria provided, single submitter. Criteria: Invitae Variant Classification Sherloc (09022015). Collection method: clinical testing. Allele origin: germline.
Comment: This variant has not been reported in the literature in individuals affected with KIAA0586-related conditions. This variant is not present in population databases (gnomAD no frequency). This sequence change creates a premature translational stop signal (p.Asn367*) in the KIAA0586 gene. It is expected to result in an absent or disrupted protein product. Loss-of-function variants in KIAA0586 are known to be pathogenic (PMID: 26096313, 26166481, 26386044). For these reasons, this variant has been classified as Pathogenic. Algorithms developed to predict the effect of sequence changes on RNA splicing suggest that this variant may disrupt the consensus splice site.

Literature cited by the submitters: PubMed 26096313; PubMed 26166481; PubMed 26386044.